The following is an entry in ClinVar:

NM_199242.3(UNC13D):c.1820G>C (p.Arg607Pro)

Gene: UNC13D (unc-13 homolog D; minus strand). Cytogenetic location: 17q25.1.
Variant type: single nucleotide variant.
Coding change: c.1820G>C on transcript NM_199242.3 (MANE Select); coding-DNA position 1820, G replaced by C.
Protein change: p.Arg607Pro; replaces arginine 607 with proline.
Molecular consequence: missense variant.
Genome position (GRCh38, 1-based): chr17:75,835,437, C>G on the plus strand (G>C on the coding strand, the complement: UNC13D is on the minus strand). VCF-style: chr17-75835437-C-G. GRCh37 (hg19) VCF-style: chr17-73831518-C-G.
Other names: short protein forms R607P.
Identifiers: ClinVar variation 632290 (VCV000632290.23), dbSNP rs377293829, ClinGen allele CA8772792.

ClinVar aggregate classification (germline): Likely pathogenic. Review status: criteria provided, multiple submitters, no conflicts (2 of 4 stars). 7 submissions from 7 submitters: Likely pathogenic (6). 1 of the submissions does not count toward it. Last evaluated 2026-09-09.

Conditions:
Familial hemophagocytic lymphohistiocytosis (FHL). Also called: Hereditary hemophagocytic lymphohistiocytosis; Familial erythrophagocytic lymphohistiocytosis; Familial histiocytic reticulosis. Identifiers: Orphanet 158038, Orphanet 540, MedGen C0272199, MONDO:0015541.
Autoinflammatory syndrome. Identifiers: Orphanet 93665, MedGen C3890737, MONDO:0019751.
Familial hemophagocytic lymphohistiocytosis 3 (FHL3). Also called: UNC13D-Related Familial Hemophagocytic Lymphohistiocytosis (UNC13D-fHLH). Identifiers: Orphanet 540, MedGen C1837174, MONDO:0012146, OMIM 608898.
UNC13D-related disorder. Also called: UNC13D-related condition.

Allele frequency attached by ClinVar (database versions not stated): 1000 Genomes Project 0.00020; ESP Exome Variant Server 0.00023; TOPMed 0.00012; 1000 Genomes Project 30x 0.00031.

Submissions (7):

Genome Diagnostics Laboratory, The Hospital for Sick Children
Classification: Likely pathogenic for Autoinflammatory syndrome. Last evaluated: 2026-09-09. Review status: criteria provided, single submitter. Criteria: ACMG Guidelines, 2015. Collection method: clinical testing. Allele origin: germline. Affected: yes.
Comment: This missense variant results in a change of arginine to proline at position 607, and in silico programs predict this variant to be damaging. This variant was observed in a homozygous or compound heterozygous state in individuals with hemophagocytic lymphohistiocytosis (PMID: 20823128, PMID: 32542393, Internal data). In vitro functional studies showed that this variant results in reduced UNC13D encoded protein expression in transfected HEK293 and HVS-T1cells (PMID: 29549174). This variant is observed at an allele frequency of 0.035% in populations of the Genome Aggregation Database (gnomAD). Based on the evidence, this variant is classified as a likely pathogenic variant (ACMG Criteria: PS3, PM3, PM2_P, PP3, PP5).

Labcorp Genetics (formerly Invitae), Labcorp
Classification: Likely pathogenic for Familial hemophagocytic lymphohistiocytosis 3. Last evaluated: 2026-02-01. Review status: criteria provided, single submitter. Criteria: Invitae Variant Classification Sherloc (09022015). Collection method: clinical testing. Allele origin: germline.
Comment: This sequence change replaces arginine, which is basic and polar, with proline, which is neutral and non-polar, at codon 607 of the UNC13D protein (p.Arg607Pro). This variant is present in population databases (rs377293829, gnomAD 0.02%). This missense change has been observed in individual(s) with clinical features of hemophagocytic lymphohistiocytosis (PMID: 20823128, 32542393; internal data). In at least one individual the data is consistent with being in trans (on the opposite chromosome) from a pathogenic variant. ClinVar contains an entry for this variant (Variation ID: 632290). Invitae Evidence Modeling of protein sequence and biophysical properties (such as structural, functional, and spatial information, amino acid conservation, physicochemical variation, residue mobility, and thermodynamic stability) indicates that this missense variant is expected to disrupt UNC13D protein function with a positive predictive value of 80%. Experimental studies have shown that this missense change affects UNC13D function (PMID: 29549174). In summary, the currently available evidence indicates that the variant is pathogenic, but additional data are needed to prove that conclusively. Therefore, this variant has been classified as Likely Pathogenic.

Dasa
Classification: Likely pathogenic. Last evaluated: 2025-12-29. Review status: criteria provided, single submitter. Criteria: DASA Assertion Criteria. Collection method: clinical testing. Allele origin: germline.
Comment: NM_199242.3(UNC13D):c.1820G>C (p.Arg607Pro) is a missense variant that results in the substitution of arginine with proline. This variant has been recurrently observed in individuals with UNC13D-related disorders (PMID: 20823128; PMID: 32542393; PMID: 40901478). Functional evidence supports an impact on the gene or gene product (PMID: 20823128; PMID: 29549174). Also, this variant is rare in population databases. Computational evidence supports a deleterious effect. Based on the currently available evidence, this variant is classified as likely pathogenic.

Blueprint Genetics
Classification: Likely pathogenic for UNC13D-related disorders. Last evaluated: 2024-10-04. Review status: criteria provided, single submitter. Criteria: ACMG Guidelines, 2015. Collection method: clinical testing. Allele origin: germline. Affected: yes. Observed: 5 variant alleles.

Women's Health and Genetics/Laboratory Corporation of America, LabCorp
Classification: Likely pathogenic for Familial hemophagocytic lymphohistiocytosis. Last evaluated: 2024-08-14. Review status: criteria provided, single submitter. Criteria: LabCorp Variant Classification Summary - May 2015. Collection method: clinical testing. Allele origin: germline.
Comment: Variant summary: UNC13D c.1820G>C (p.Arg607Pro) results in a non-conservative amino acid change located in the MUN domain (IPR010439) of the encoded protein sequence. Five of five in-silico tools predict a damaging effect of the variant on protein function. The variant allele was found at a frequency of 0.00011 in 247550 control chromosomes (gnomAD). This frequency is not higher than expected for a pathogenic variant in UNC13D causing Familial Hemophagocytic Lymphohistiocytosis (0.00011 vs 0.0027), allowing no conclusion about variant significance. c.1820G>C has been reported in the literature in compound heterozygous individuals affected with Familial Hemophagocytic Lymphohistiocytosis (Rohr_2010, Gadoury-Levesque_2020). These data indicate that the variant may be associated with disease. The variant caused a significant decrease in munc13-4 protein expression in HEK293T and HVS-T1 cells (Shibata_2018). ClinVar contains an entry for this variant (Variation ID: 632290). Based on the evidence outlined above, the variant was classified as likely pathogenic.

GeneDx
Classification: Likely pathogenic. Last evaluated: 2024-01-31. Review status: criteria provided, single submitter. Criteria: GeneDx Variant Classification Process June 2021. Collection method: clinical testing. Allele origin: germline. Affected: yes.
Comment: In silico analysis supports that this missense variant has a deleterious effect on protein structure/function; This variant is associated with the following publications: (PMID: 29549174, 32542393, 20823128)

PreventionGenetics, part of Exact Sciences
Classification: Likely pathogenic for UNC13D-related condition. Last evaluated: 2024-08-09. Review status: no assertion criteria provided. Collection method: clinical testing. Allele origin: germline. Not counted in ClinVar's aggregate classification.
Comment: The UNC13D c.1820G>C variant is predicted to result in the amino acid substitution p.Arg607Pro. This variant was reported in the compound heterozygous state in two patients with haemophagocytic lymphohistiocytosis (Rohr et al. 2010. PubMed ID: 20823128; Gadoury-Levesque et al. 2020. PubMed ID: 32542393). This variant is reported in 0.020% of alleles in individuals of European (Non-Finnish) descent in gnomAD. This variant is interpreted as likely pathogenic.

Literature cited by the submitters: PubMed 20823128 (cited by 4 submitters); PubMed 32542393 (cited by 4 submitters); PubMed 29549174 (cited by 4 submitters); PubMed 40901478 (cited by Dasa).